The following is an entry in ClinVar:

ClinVar aggregate classification (germline): Uncertain significance (1 of 4 stars; one submission).

Conditions:
Finnish congenital nephrotic syndrome (NPHS1). Also called: NEPHROTIC SYNDROME, TYPE 1. Identifiers: Orphanet 839, MedGen C0403399, MONDO:0009732, OMIM 256300.

Allele frequency attached by ClinVar (database versions not stated): gnomAD exomes below 0.00001; TOPMed 0.00001; gnomAD 0.00002.

Submission:

Baylor Genetics
Classification: Uncertain significance for Finnish congenital nephrotic syndrome. Last evaluated: 2019-07-23. Review status: criteria provided, single submitter. Criteria: ACMG Guidelines, 2015. Collection method: clinical testing. Allele origin: paternal. Affected: yes.
Comment: This variant was determined to be of uncertain significance according to ACMG Guidelines, 2015 [PMID:25741868].

NM_004646.4(NPHS1):c.1931-34A>G

Gene: NPHS1 (NPHS1 adhesion molecule, nephrin; minus strand). Cytogenetic location: 19q13.12.
Variant type: single nucleotide variant.
Coding change: c.1931-34A>G on transcript NM_004646.4 (MANE Select); 34 bases into the intron before coding-DNA position 1931, A replaced by G.
Molecular consequence: intron variant.
Genome position (GRCh38, 1-based): chr19:35,844,493, T>C on the plus strand (A>G on the coding strand, the complement: NPHS1 is on the minus strand). VCF-style: chr19-35844493-T-C. GRCh37 (hg19) VCF-style: chr19-36335395-T-C.
Identifiers: ClinVar variation 1028797 (VCV001028797.1), dbSNP rs1040003208, ClinGen allele CA307783529.
Genomic context (GRCh38, chr19:35,844,493, plus strand): 5'-CCTGCTCCCCCAGGAACTCTGGACGGTCTTCAGAGGGGGCGCCGCAGGGAGTCAAGATTG[T>C]TGTTAAGGTTAGGGTCAAGGACAGATTGGAGATCAGGCACAGGTTCAAGGGTTAAAGTTG-3'